The following is an entry in ClinVar:

ClinVar aggregate classification (germline): Uncertain significance. Review status: criteria provided, multiple submitters, no conflicts (2 of 4 stars). 2 submissions from 2 submitters: Uncertain significance (2). Last evaluated 2024-04-11.

Allele frequency attached by ClinVar (database versions not stated): gnomAD exomes 0.00002; gnomAD 0.00003; ExAC 0.00005; TOPMed 0.00006.
gnomAD v4.1: 44 of 1,551,828 alleles (0.0028%); highest among the groups gnomAD compares: South Asian, 0.021%; no homozygotes.

Submissions (2):

Blueprint Genetics
Classification: Uncertain significance. Last evaluated: 2024-04-11. Review status: criteria provided, single submitter. Criteria: ACMG Guidelines, 2015. Collection method: clinical testing. Allele origin: germline.

Labcorp Genetics (formerly Invitae), Labcorp
Classification: Uncertain significance. Last evaluated: 2024-04-03. Review status: criteria provided, single submitter. Criteria: Invitae Variant Classification Sherloc (09022015). Collection method: clinical testing. Allele origin: germline.
Comment: This sequence change replaces arginine, which is basic and polar, with glutamine, which is neutral and polar, at codon 1870 of the LOXHD1 protein (p.Arg1870Gln). This variant is present in population databases (rs776690601, gnomAD 0.008%). This variant has not been reported in the literature in individuals affected with LOXHD1-related conditions. ClinVar contains an entry for this variant (Variation ID: 2201923). An algorithm developed to predict the effect of missense changes on protein structure and function (PolyPhen-2) suggests that this variant is likely to be disruptive. In summary, the available evidence is currently insufficient to determine the role of this variant in disease. Therefore, it has been classified as a Variant of Uncertain Significance.

NM_001384474.1(LOXHD1):c.5795G>A (p.Arg1932Gln)

Gene: LOXHD1 (lipoxygenase homology PLAT domains 1; minus strand). Cytogenetic location: 18q21.1.
Variant type: single nucleotide variant.
Coding change: c.5795G>A on transcript NM_001384474.1 (MANE Select); coding-DNA position 5795, G replaced by A.
Protein change: p.Arg1932Gln; replaces arginine 1932 with glutamine.
Molecular consequence: missense variant.
Genome position (GRCh38, 1-based): chr18:46,505,921, C>T on the plus strand (G>A on the coding strand, the complement: LOXHD1 is on the minus strand). VCF-style: chr18-46505921-C-T. GRCh37 (hg19) VCF-style: chr18-44085884-C-T.
Other names: c.2462G>A, p.Arg821Gln (NM_001145472.3); c.512G>A, p.Arg171Gln (NM_001145473.3, NM_001173129.2); c.2174G>A, p.Arg725Gln (NM_001308013.2); c.5609G>A, p.Arg1870Gln (NM_144612.7); short protein forms R171Q, R1932Q, R1870Q, R725Q, R821Q.
Identifiers: ClinVar variation 2201923 (VCV002201923.3), dbSNP rs776690601, ClinGen allele CA8952134.